The following is an entry in ClinVar:

NM_000179.3(MSH6):c.2533_2536del (p.Tyr845fs)

Gene: MSH6 (mutS homolog 6; plus strand). Cytogenetic location: 2p16.3.
Variant type: Deletion.
Coding change: c.2533_2536del on transcript NM_000179.3 (MANE Select); coding-DNA positions 2533 to 2536, 4 bases deleted (TATG; older notation c.2533_2536delTATG).
Protein change: p.Tyr845fs; shifts the reading frame from tyrosine 845.
Molecular consequence: frameshift variant. On other transcripts: non-coding transcript variant (5), intron variant (3).
Genome position (GRCh38, 1-based): chr2:47,800,516-47,800,519, TATG deleted; deleting any 4 consecutive bases within chr2:47,800,513-47,800,519 gives the same sequence; the c. name uses the placement nearest the transcript's 3' end. VCF-style (leftmost placement, unchanged base first): chr2-47800512-AATGT-A. GRCh37 (hg19) VCF-style: chr2-48027651-AATGT-A.
Other names: c.2533_2536del, p.Tyr845fs (NM_001406798.1, NM_001406800.1, NM_001406808.1 and 2 more transcripts); c.2008_2011del, p.Tyr670fs (NM_001406799.1, NM_001406806.1, NM_001406807.1); c.2236_2239del, p.Tyr746fs (NM_001406801.1, NM_001406805.1, NM_001406818.1 and 10 more transcripts); c.2629_2632del, p.Tyr877fs (NM_001406802.1, NM_001406795.1); c.2455_2458del, p.Tyr819fs (NM_001406804.1); c.1627_1630del, p.Tyr543fs (NM_001406811.1, NM_001406812.1, NM_001406814.1 and 6 more transcripts); c.2539_2542del, p.Tyr847fs (NM_001406813.1); c.2365_2368del, p.Tyr789fs (NM_001406826.1); and 4 more; short protein forms Y543fs, Y746fs, Y670fs, Y845fs, Y715fs, Y819fs, Y847fs, Y877fs.
Identifiers: ClinVar variation 3726464 (VCV003726464.2).

ClinVar aggregate classification (germline): Pathogenic (1 of 4 stars; one submission).

Conditions:
Hereditary nonpolyposis colorectal neoplasms. Identifiers: MedGen C0009405, MeSH D003123.

Submission:

Labcorp Genetics (formerly Invitae), Labcorp
Classification: Pathogenic for Hereditary nonpolyposis colorectal neoplasms. Last evaluated: 2024-12-02. Review status: criteria provided, single submitter. Criteria: Invitae Variant Classification Sherloc (09022015). Collection method: clinical testing. Allele origin: germline.
Comment: This sequence change creates a premature translational stop signal (p.Tyr845Lysfs*22) in the MSH6 gene. It is expected to result in an absent or disrupted protein product. Loss-of-function variants in MSH6 are known to be pathogenic (PMID: 18269114, 24362816). This variant is not present in population databases (gnomAD no frequency). This variant has not been reported in the literature in individuals affected with MSH6-related conditions. For these reasons, this variant has been classified as Pathogenic.

Literature cited by the submitters: PubMed 18269114; PubMed 24362816.